The following is an entry in ClinVar:

NM_130384.3(ATRIP):c.404T>C (p.Val135Ala)

Genes: ATRIP (ATR interacting protein; plus strand), ATRIP-TREX1 (ATRIP-TREX1 readthrough; plus strand). Cytogenetic location: 3p21.31.
Variant type: single nucleotide variant.
Coding change: c.404T>C on transcript NM_130384.3 (MANE Select); coding-DNA position 404, T replaced by C.
Protein change: p.Val135Ala; replaces valine 135 with alanine.
Molecular consequence: missense variant. On other transcripts: non-coding transcript variant (1).
Genome position (GRCh38, 1-based): chr3:48,451,751, T>C. VCF-style: chr3-48451751-T-C. GRCh37 (hg19) VCF-style: chr3-48493157-T-C.
Other names: c.23T>C, p.Val8Ala (NM_001271022.2); c.125T>C, p.Val42Ala (NM_001271023.2); c.404T>C, p.Val135Ala (NM_032166.4); short protein forms V42A, V135A, V8A.
Identifiers: ClinVar variation 3976056 (VCV003976056.1).

ClinVar aggregate classification (germline): Uncertain significance (1 of 4 stars; one submission).

gnomAD v4.1: 7 of 1,596,724 alleles (0.00044%); highest among the groups gnomAD compares: Middle Eastern, 0.017%; no homozygotes.

Submission:

Ambry Genetics
Classification: Uncertain significance. Last evaluated: 2025-04-11. Review status: criteria provided, single submitter. Criteria: Ambry Variant Classification Scheme 2023. Collection method: clinical testing. Allele origin: germline.
Comment: The p.V135A variant (also known as c.404T>C), located in coding exon 3 of the ATRIP gene, results from a T to C substitution at nucleotide position 404. The valine at codon 135 is replaced by alanine, an amino acid with similar properties. This amino acid position is conserved. In addition, this alteration is predicted to be tolerated by in silico analysis. Based on the available evidence, the clinical significance of this variant remains unclear.